The following is an entry in ClinVar:

ClinVar aggregate classification (germline): Pathogenic. Review status: criteria provided, single submitter (1 of 4 stars). 2 submissions from 2 submitters: Pathogenic (1). 1 of the submissions does not count toward it. Last evaluated 2020-09-10.

Conditions:
Intellectual developmental disorder, autosomal dominant 44, with microcephaly. Also called: Micrognathia-recurrent infections-behavioral abnormalities-mild intellectual disability syndrome; TRIO-Related Intellectual Disability. Identifiers: Orphanet 476126, MedGen C4310740, MONDO:0014892, OMIM 617061.

Submissions (2):

SIB Swiss Institute of Bioinformatics
Classification: Pathogenic for Intellectual developmental disorder, autosomal dominant 44, with microcephaly. Last evaluated: 2020-09-10. Review status: criteria provided, single submitter. Criteria: ACMG Guidelines, 2015. Collection method: curation. Allele origin: unknown.
Comment: This variant is interpreted as pathogenic for Intellectual developmental disorder, autosomal dominant 44, with microcephaly. The following ACMG Tag(s) were applied: Absent from controls (or at extremely low frequency if recessive) in Exome Sequencing Project, 1000 Genomes Project, or Exome Aggregation Consortium (PM2); De novo (paternity and maternity confirmed) (PS2); Missense variant in a gene that has a low rate of benign missense variation and in which missense variants are a common mechanism of disease (PP2); Multiple lines of computational evidence support a deleterious effect on the gene or gene product (PP3); Well-established functional studies show a deleterious effect (PS3 downgraded to moderate).

OMIM
Classification: Pathogenic for INTELLECTUAL DEVELOPMENTAL DISORDER, AUTOSOMAL DOMINANT 44, WITH MICROCEPHALY. Last evaluated: 2020-03-31. Review status: no assertion criteria provided. Collection method: literature only. Allele origin: germline. Not counted in ClinVar's aggregate classification.

Literature cited by the submitters: PubMed 32109419 (cited by SIB Swiss Institute of Bioinformatics and OMIM).

NM_007118.4(TRIO):c.3895G>A (p.Glu1299Lys)

Gene: TRIO (trio Rho guanine nucleotide exchange factor; plus strand). Cytogenetic location: 5p15.2.
Variant type: single nucleotide variant.
Coding change: c.3895G>A on transcript NM_007118.4 (MANE Select); coding-DNA position 3895, G replaced by A.
Protein change: p.Glu1299Lys; replaces glutamic acid 1299 with lysine.
Molecular consequence: missense variant. On other transcripts: non-coding transcript variant (1).
Genome position (GRCh38, 1-based): chr5:14,388,626, G>A. VCF-style: chr5-14388626-G-A. GRCh37 (hg19) VCF-style: chr5-14388735-G-A.
Other names: short protein forms E1299K.
Identifiers: ClinVar variation 830228 (VCV000830228.2), dbSNP rs1746763024, ClinGen allele CA359227859.